The following is an entry in ClinVar:

NM_004068.4(AP2M1):c.862C>T (p.Arg288Trp)

Gene: AP2M1 (adaptor related protein complex 2 subunit mu 1; plus strand). Cytogenetic location: 3q27.1.
Variant type: single nucleotide variant.
Coding change: c.862C>T on transcript NM_004068.4 (MANE Select); coding-DNA position 862, C replaced by T.
Protein change: p.Arg288Trp; replaces arginine 288 with tryptophan.
Molecular consequence: missense variant.
Genome position (GRCh38, 1-based): chr3:184,181,946, C>T. VCF-style: chr3-184181946-C-T. GRCh37 (hg19) VCF-style: chr3-183899734-C-T.
Other names: c.856C>T, p.Arg286Trp (NM_001025205.2); c.937C>T, p.Arg313Trp (NM_001311198.2); short protein forms R313W, R286W, R288W.
Identifiers: ClinVar variation 4993954 (VCV004993954.1).

ClinVar aggregate classification (germline): Uncertain significance (1 of 4 stars; one submission).

Conditions:
AP2M1-related disorder. Also called: AP2M1-related condition.

Submission:

PreventionGenetics, part of Exact Sciences
Classification: Uncertain significance for AP2M1-related condition. Last evaluated: 2026-06-05. Review status: criteria provided, single submitter. Criteria: ACMG Guidelines, 2015. Collection method: clinical testing. Allele origin: germline.
Comment: The AP2M1 c.937C>T variant is predicted to result in the amino acid substitution p.Arg313Trp. To our knowledge, this variant has not been reported in the literature or in a large population database (gnomAD), indicating this variant is rare. At this time, the clinical significance of this variant is uncertain due to the absence of conclusive functional and genetic evidence.